The following is an entry in ClinVar:

NM_001458.5(FLNC):c.7399C>G (p.Arg2467Gly)

Genes: FLNC (filamin C; plus strand), FLNC-AS1 (FLNC antisense RNA 1; minus strand). Cytogenetic location: 7q32.1.
Variant type: single nucleotide variant.
Coding change: c.7399C>G on transcript NM_001458.5 (MANE Select); coding-DNA position 7399, C replaced by G.
Protein change: p.Arg2467Gly; replaces arginine 2467 with glycine.
Molecular consequence: missense variant.
Genome position (GRCh38, 1-based): chr7:128,856,759, C>G. VCF-style: chr7-128856759-C-G. GRCh37 (hg19) VCF-style: chr7-128496813-C-G.
Other names: c.7300C>G, p.Arg2434Gly (NM_001127487.2); short protein forms R2467G, R2434G.
Identifiers: ClinVar variation 1963837 (VCV001963837.6), dbSNP rs1278916117, ClinGen allele CA369217233.

ClinVar aggregate classification (germline): Uncertain significance. Review status: criteria provided, multiple submitters, no conflicts (2 of 4 stars). 2 submissions from 2 submitters: Uncertain significance (2). Last evaluated 2025-10-10.

Conditions:
Myofibrillar myopathy 5. Also called: Filaminopathy (type); FILAMINOPATHY, AUTOSOMAL DOMINANT. Identifiers: Orphanet 171445, MedGen C1836050, MONDO:0012289, OMIM 609524.
Distal myopathy with posterior leg and anterior hand involvement. Also called: WILLIAMS DISTAL MYOPATHY. Identifiers: Orphanet 63273, MedGen C3279722, MONDO:0013550, OMIM 614065.
Hypertrophic cardiomyopathy 26. Also called: Cardiomyopathy, familial hypertrophic, 26. Identifiers: Orphanet 75249, MedGen C4310749, MONDO:0014883, OMIM 617047.
Cardiovascular phenotype. Identifiers: MedGen CN230736.

Submissions (2):

Labcorp Genetics (formerly Invitae), Labcorp
Classification: Uncertain significance for Distal myopathy with posterior leg and anterior hand involvement; Myofibrillar myopathy 5; Hypertrophic cardiomyopathy 26. Last evaluated: 2025-10-10. Review status: criteria provided, single submitter. Criteria: Invitae Variant Classification Sherloc (09022015). Collection method: clinical testing. Allele origin: germline.
Comment: This sequence change replaces arginine, which is basic and polar, with glycine, which is neutral and non-polar, at codon 2467 of the FLNC protein (p.Arg2467Gly). This variant is not present in population databases (gnomAD no frequency). This variant has not been reported in the literature in individuals affected with FLNC-related conditions. ClinVar contains an entry for this variant (Variation ID: 1963837). Invitae Evidence Modeling of protein sequence and biophysical properties (such as structural, functional, and spatial information, amino acid conservation, physicochemical variation, residue mobility, and thermodynamic stability) indicates that this missense variant is not expected to disrupt FLNC protein function with a negative predictive value of 95%. In summary, the available evidence is currently insufficient to determine the role of this variant in disease. Therefore, it has been classified as a Variant of Uncertain Significance.

Ambry Genetics
Classification: Uncertain significance for Cardiovascular phenotype. Last evaluated: 2025-05-04. Review status: criteria provided, single submitter. Criteria: Ambry Variant Classification Scheme 2023. Collection method: clinical testing. Allele origin: germline.